The following is an entry in ClinVar:

NM_006231.4(POLE):c.6538del (p.Ala2180fs)

Gene: POLE (DNA polymerase epsilon, catalytic subunit; minus strand). Cytogenetic location: 12q24.33.
Variant type: Deletion.
Coding change: c.6538del on transcript NM_006231.4 (MANE Select); coding-DNA position 6538, one base deleted (G; older notation c.6538delG).
Protein change: p.Ala2180fs; shifts the reading frame from alanine 2180.
Molecular consequence: frameshift variant.
Genome position (GRCh38, 1-based): chr12:132,625,764, C deleted on the plus strand (G on the coding strand, the reverse complement: POLE is on the minus strand); the first of 4 consecutive C bases (chr12:132,625,764-132,625,767); deleting any one gives the same sequence. VCF-style (leftmost placement, unchanged base first): chr12-132625763-GC-G. GRCh37 (hg19) VCF-style: chr12-133202349-GC-G.
Other names: c.6538delG (NM_006231.3, NM_006231.4); short protein forms A2180fs.
Identifiers: ClinVar variation 826469 (VCV000826469.16), dbSNP rs1566308645, ClinGen allele CA608514002.

ClinVar aggregate classification (germline): Conflicting classifications of pathogenicity. Review status: criteria provided, conflicting classifications (1 of 4 stars). 4 submissions from 4 submitters: Pathogenic (2); Likely pathogenic (1); Uncertain significance (1). Last evaluated 2026-01-08.

Conditions:
Facial dysmorphism-immunodeficiency-livedo-short stature syndrome. Also called: FILS syndrome; Facial dysmorphism, immunodeficiency, livedo, and short stature. Identifiers: Orphanet 352712, MedGen C3554576, MONDO:0014058, OMIM 615139.
POLE-related disorder. Also called: POLE-related condition; POLE-related disorders.
Hereditary cancer-predisposing syndrome. Also called: Hereditary Cancer Syndrome; Tumor predisposition; Neoplastic Syndromes, Hereditary; Hereditary neoplastic syndrome. Identifiers: Orphanet 140162, MedGen C0027672, MeSH D009386, MONDO:0015356.

Submissions (4):

Ambry Genetics
Classification: Uncertain significance for Hereditary cancer-predisposing syndrome. Last evaluated: 2026-01-08. Review status: criteria provided, single submitter. Criteria: Ambry Variant Classification Scheme 2023. Collection method: clinical testing. Allele origin: germline.
Comment: The c.6538delG variant, located in coding exon 47 of the POLE gene, results from a deletion of one nucleotide at nucleotide position 6538, causing a translational frameshift with a predicted alternate stop codon (p.A2180Rfs*22). This alteration is expected to result in loss of function by premature protein truncation or nonsense-mediated mRNA decay. Although biallelic loss of function of POLE has been associated with autosomal recessive POLE deficiency, haploinsufficiency of POLE has not been established as a mechanism of disease for POLE-related polymerase proofreading-associated polyposis (PPAP) and POLE-related CMMRD-like syndrome. Based on the supporting evidence, this variant is expected to be causative of POLE deficiency when present along with a second pathogenic variant on the other allele; however, its clinical significance for PPAP and POLE-related CMMRD-like syndrome is unclear.

Labcorp Genetics (formerly Invitae), Labcorp
Classification: Pathogenic. Last evaluated: 2025-10-09. Review status: criteria provided, single submitter. Criteria: Invitae Variant Classification Sherloc (09022015). Collection method: clinical testing. Allele origin: germline.
Comment: This sequence change creates a premature translational stop signal (p.Ala2180Argfs*22) in the POLE gene. It is expected to result in an absent or disrupted protein product. Loss-of-function variants in POLE are known to be pathogenic (PMID: 23230001, 25948378, 30503519). This variant is present in population databases (no rsID available, gnomAD 0.006%). This variant has not been reported in the literature in individuals affected with POLE-related conditions. ClinVar contains an entry for this variant (Variation ID: 826469). For these reasons, this variant has been classified as Pathogenic.

Women's Health and Genetics/Laboratory Corporation of America, LabCorp
Classification: Pathogenic for Facial dysmorphism-immunodeficiency-livedo-short stature syndrome. Last evaluated: 2025-07-21. Review status: criteria provided, single submitter. Criteria: LabCorp Variant Classification Summary - May 2015. Collection method: clinical testing. Allele origin: germline.
Comment: Variant summary: POLE c.6538delG (p.Ala2180ArgfsX22) results in a premature termination codon, predicted to cause a truncation of the encoded protein or absence of the protein due to nonsense mediated decay, which are commonly known mechanisms for disease. The variant allele was found at a frequency of 8.1e-06 in 247868 control chromosomes. To our knowledge, no occurrence of c.6538delG in individuals affected with Facial Dysmorphism, Immunodeficiency, Livedo, And Short Stature and no experimental evidence demonstrating its impact on protein function have been reported. ClinVar contains an entry for this variant (Variation ID: 826469). Based on the evidence outlined above, the variant was classified as pathogenic.

PreventionGenetics, part of Exact Sciences
Classification: Likely pathogenic for POLE-related condition. Last evaluated: 2023-10-04. Review status: criteria provided, single submitter. Criteria: ACMG Guidelines, 2015. Collection method: clinical testing. Allele origin: germline.
Comment: The POLE c.6538delG variant is predicted to result in a frameshift and premature protein termination (p.Ala2180Argfs*22). To our knowledge, this variant has not been reported in the literature. This variant is reported in 2 of ~248,000 alleles in gnomAD. It has conflicting interpretations of pathogenic and uncertain significance in ClinVar. Frameshift variants in POLE are expected to be pathogenic for autosomal recessive IMAGe-I syndrome. This variant is interpreted as likely pathogenic for autosomal recessive IMAGe-I syndrome and as a variant of uncertain significance for autosomal dominant POLE-associated disorders.

Literature cited by the submitters: PubMed 23230001 (cited by Labcorp Genetics (formerly Invitae), Labcorp); PubMed 25948378 (cited by Labcorp Genetics (formerly Invitae), Labcorp); PubMed 30503519 (cited by Labcorp Genetics (formerly Invitae), Labcorp).